The following is an entry in ClinVar:

NM_003482.4(KMT2D):c.4287G>A (p.Val1429=)

Gene: KMT2D (lysine methyltransferase 2D; minus strand). Cytogenetic location: 12q13.12.
Variant type: single nucleotide variant.
Coding change: c.4287G>A on transcript NM_003482.4 (MANE Select); coding-DNA position 4287, G replaced by A.
Protein change: p.Val1429=; no amino-acid change (valine 1429 retained).
Molecular consequence: synonymous variant.
Genome position (GRCh38, 1-based): chr12:49,046,740, C>T on the plus strand (G>A on the coding strand, the complement: KMT2D is on the minus strand). VCF-style: chr12-49046740-C-T. GRCh37 (hg19) VCF-style: chr12-49440523-C-T.
Identifiers: ClinVar variation 3029394 (VCV003029394.2), dbSNP rs747613171, ClinGen allele CA6547856.

ClinVar aggregate classification (germline): Likely benign (0 of 4 stars; one submission).

Conditions:
KMT2D-related disorder. Also called: KMT2D-Related Disorders.

Allele frequency attached by ClinVar (database versions not stated): TOPMed below 0.00001; ExAC 0.00001; gnomAD 0.00001.
gnomAD v4.1: 1 of 1,613,878 alleles (0.000062%); highest among the groups gnomAD compares: Non-Finnish European, 0.000085%; no homozygotes.

Submission:

PreventionGenetics, part of Exact Sciences
Classification: Likely benign for KMT2D-related condition. Last evaluated: 2022-09-27. Review status: no assertion criteria provided. Collection method: clinical testing. Allele origin: germline.
Comment: This variant is classified as likely benign based on ACMG/AMP sequence variant interpretation guidelines (Richards et al. 2015 PMID: 25741868, with internal and published modifications).